The following is an entry in ClinVar:

NM_030777.4(SLC2A10):c.371C>T (p.Ser124Leu)

Gene: SLC2A10 (solute carrier family 2 member 10; plus strand). Cytogenetic location: 20q13.12.
Variant type: single nucleotide variant.
Coding change: c.371C>T on transcript NM_030777.4 (MANE Select); coding-DNA position 371, C replaced by T.
Protein change: p.Ser124Leu; replaces serine 124 with leucine.
Molecular consequence: missense variant.
Genome position (GRCh38, 1-based): chr20:46,725,407, C>T. VCF-style: chr20-46725407-C-T. GRCh37 (hg19) VCF-style: chr20-45354046-C-T.
Other names: p.S124L:TCA>TTA; short protein forms S124L.
Identifiers: ClinVar variation 213727 (VCV000213727.3), dbSNP rs774076515, ClinGen allele CA319880.

ClinVar aggregate classification (germline): Uncertain significance. Review status: criteria provided, multiple submitters, no conflicts (2 of 4 stars). 2 submissions from 2 submitters: Uncertain significance (2). Last evaluated 2023-12-17.

Allele frequency attached by ClinVar (database versions not stated): gnomAD exomes below 0.00001; ExAC 0.00001.

Submissions (2):

Women's Health and Genetics/Laboratory Corporation of America, LabCorp
Classification: Uncertain significance. Last evaluated: 2023-12-17. Review status: criteria provided, single submitter. Criteria: LabCorp Variant Classification Summary - May 2015. Collection method: clinical testing. Allele origin: germline.

GeneDx
Classification: Uncertain significance. Last evaluated: 2014-05-14. Review status: criteria provided, single submitter. Criteria: GeneDx Variant Classification (06012015). Collection method: clinical testing. Allele origin: germline. Affected: yes.
Comment: p.Ser124Leu (TCA>TTA): c.371 C>T in exon 2 of the SLC2A10 gene (NM_030777.3). A variant of unknown significance has been identified in the SLC2A10 gene. The S124L variant has not been published as a mutation, nor has it been reported as a benign polymorphism to our knowledge. The S124L variant was not observed in approximately 6,500 individuals of European and African American ancestry in the NHLBI Exome Sequencing Project, indicating it is not a common benign variant in these populations. The S124L variant is a non-conservative amino acid substitution, which is likely to impact secondary protein structure as these residues differ in polarity, charge, size and/or other properties. This substitution occurs at a position that is conserved in mammals. In silico analysis predicts this variant is probably damaging to the protein structure/function. Therefore, based on the currently available information, it is unclear whether this variant is a pathogenic mutation or a rare benign variant. This variant was found in TAAD